The following is an entry in ClinVar:

ClinVar aggregate classification (germline): Uncertain significance (1 of 4 stars; one submission).

Allele frequency attached by ClinVar (database versions not stated): gnomAD 0.00001.
gnomAD v4.1: 1 of 1,613,244 alleles (0.000062%); highest among the groups gnomAD compares: East Asian, 0.0022%; no homozygotes.

Submission:

Women's Health and Genetics/Laboratory Corporation of America, LabCorp
Classification: Uncertain significance. Last evaluated: 2021-04-08. Review status: criteria provided, single submitter. Criteria: LabCorp Variant Classification Summary - May 2015. Collection method: clinical testing. Allele origin: germline.
Comment: Variant summary: AKAP9 c.6330+4A>G alters a conserved nucleotide located close to a canonical splice site and therefore could affect mRNA splicing, leading to a significantly altered protein sequence. 4/4 computational tools predict no significant impact on normal splicing. However, these predictions have yet to be confirmed by functional studies. The variant was absent in 250010 control chromosomes. The available data on variant occurrences in the general population are insufficient to allow any conclusion about variant significance. To our knowledge, no occurrence of c.6330+4A>G in individuals affected with Long QT Syndrome and no experimental evidence demonstrating its impact on protein function have been reported. No clinical diagnostic laboratories have submitted clinical-significance assessments for this variant to ClinVar after 2014. Based on the evidence outlined above, the variant was classified as uncertain significance.

NM_005751.5(AKAP9):c.6330+4A>G

Gene: AKAP9 (A-kinase anchoring protein 9; plus strand). Cytogenetic location: 7q21.2.
Variant type: single nucleotide variant.
Coding change: c.6330+4A>G on transcript NM_005751.5 (MANE Select); 4 bases into the intron after coding-DNA position 6330, A replaced by G.
Molecular consequence: intron variant.
Genome position (GRCh38, 1-based): chr7:92,066,550, A>G. VCF-style: chr7-92066550-A-G. GRCh37 (hg19) VCF-style: chr7-91695864-A-G.
Other names: c.6330+4A>G (NM_147185.3); c.975+4A>G (NM_001379277.1).
Identifiers: ClinVar variation 1065132 (VCV001065132.1), dbSNP rs1460275329, ClinGen allele CA576290849.